The following is an entry in ClinVar:

ClinVar aggregate classification (germline): Uncertain significance. Review status: criteria provided, multiple submitters, no conflicts (2 of 4 stars). 2 submissions from 2 submitters: Uncertain significance (2). Last evaluated 2022-08-08.

Conditions:
Congenital contractural arachnodactyly (CCA). Also called: BEALS SYNDROME; Beals-Hecht syndrome; Arthrogryposis, distal, type 9. Identifiers: Orphanet 115, MedGen C0220668, MONDO:0007363, OMIM 121050.

Submissions (2):

Labcorp Genetics (formerly Invitae), Labcorp
Classification: Uncertain significance for Congenital contractural arachnodactyly. Last evaluated: 2022-08-08. Review status: criteria provided, single submitter. Criteria: Invitae Variant Classification Sherloc (09022015). Collection method: clinical testing. Allele origin: germline.
Comment: In summary, the available evidence is currently insufficient to determine the role of this variant in disease. Therefore, it has been classified as a Variant of Uncertain Significance. Advanced modeling of protein sequence and biophysical properties (such as structural, functional, and spatial information, amino acid conservation, physicochemical variation, residue mobility, and thermodynamic stability) performed at Invitae indicates that this missense variant is expected to disrupt FBN2 protein function. This variant has not been reported in the literature in individuals affected with FBN2-related conditions. This variant is not present in population databases (gnomAD no frequency). This sequence change replaces arginine, which is basic and polar, with glycine, which is neutral and non-polar, at codon 947 of the FBN2 protein (p.Arg947Gly).

Blueprint Genetics
Classification: Uncertain significance. Last evaluated: 2019-05-18. Review status: criteria provided, single submitter. Criteria: ACMG Guidelines, 2015. Collection method: clinical testing. Allele origin: germline.

NM_001999.4(FBN2):c.2839A>G (p.Arg947Gly)

Gene: FBN2 (fibrillin 2; minus strand). Cytogenetic location: 5q23.3.
Variant type: single nucleotide variant.
Coding change: c.2839A>G on transcript NM_001999.4 (MANE Select); coding-DNA position 2839, A replaced by G.
Protein change: p.Arg947Gly; replaces arginine 947 with glycine.
Molecular consequence: missense variant.
Genome position (GRCh38, 1-based): chr5:128,349,979, T>C on the plus strand (A>G on the coding strand, the complement: FBN2 is on the minus strand). VCF-style: chr5-128349979-T-C. GRCh37 (hg19) VCF-style: chr5-127685671-T-C.
Other names: short protein forms R947G.
Identifiers: ClinVar variation 2192834 (VCV002192834.5), dbSNP rs752949752, ClinGen allele CA360765993.